The following is an entry in ClinVar:

NM_001008537.3(NEXMIF):c.565G>A (p.Ala189Thr)

Gene: NEXMIF (neurite extension and migration factor; minus strand). Cytogenetic location: Xq13.3.
Variant type: single nucleotide variant.
Coding change: c.565G>A on transcript NM_001008537.3 (MANE Select); coding-DNA position 565, G replaced by A.
Protein change: p.Ala189Thr; replaces alanine 189 with threonine.
Molecular consequence: missense variant.
Genome position (GRCh38, 1-based): chrX:74,743,992, C>T on the plus strand (G>A on the coding strand, the complement: NEXMIF is on the minus strand). VCF-style: chrX-74743992-C-T. GRCh37 (hg19) VCF-style: chrX-73963827-C-T.
Other names: short protein forms A189T.
Identifiers: ClinVar variation 3670989 (VCV003670989.2).

ClinVar aggregate classification (germline): Uncertain significance (1 of 4 stars; one submission).

gnomAD v4.1: 3 of 1,210,916 alleles (0.00025%); highest among the groups gnomAD compares: Non-Finnish European, 0.00034%; no homozygotes.

Submission:

Labcorp Genetics (formerly Invitae), Labcorp
Classification: Uncertain significance. Last evaluated: 2024-11-05. Review status: criteria provided, single submitter. Criteria: Invitae Variant Classification Sherloc (09022015). Collection method: clinical testing. Allele origin: germline.
Comment: This sequence change replaces alanine, which is neutral and non-polar, with threonine, which is neutral and polar, at codon 189 of the NEXMIF protein (p.Ala189Thr). The frequency data for this variant in the population databases is considered unreliable, as metrics indicate poor data quality at this position in the gnomAD database. This variant has not been reported in the literature in individuals affected with NEXMIF-related conditions. An algorithm developed to predict the effect of missense changes on protein structure and function outputs the following: PolyPhen-2: "Benign". The threonine amino acid residue is found in multiple mammalian species, which suggests that this missense change does not adversely affect protein function. In summary, the available evidence is currently insufficient to determine the role of this variant in disease. Therefore, it has been classified as a Variant of Uncertain Significance.